The following is an entry in ClinVar:

NM_002382.5(MAX):c.445C>T (p.Pro149Ser)

Gene: MAX (MYC associated transcriptional regulator X; minus strand). Cytogenetic location: 14q23.3.
Variant type: single nucleotide variant.
Coding change: c.445C>T on transcript NM_002382.5 (MANE Select); coding-DNA position 445, C replaced by T.
Protein change: p.Pro149Ser; replaces proline 149 with serine.
Molecular consequence: missense variant. On other transcripts: 3 prime UTR variant (12), non-coding transcript variant (7), intron variant (2).
Genome position (GRCh38, 1-based): chr14:65,076,514, G>A on the plus strand (C>T on the coding strand, the complement: MAX is on the minus strand). VCF-style: chr14-65076514-G-A. GRCh37 (hg19) VCF-style: chr14-65543232-G-A.
Other names: c.256C>T, p.Pro86Ser (NM_001320415.2, NM_001407105.1, NM_001407106.1 and 1 more transcripts); c.445C>T, p.Pro149Ser (NM_001407094.1); c.418C>T, p.Pro140Ser (NM_001407095.1, NM_145112.3); c.*218C>T (NM_001407096.1, NM_001407099.1, NM_001407102.1 and 2 more transcripts); c.*234C>T (NM_001407097.1, NM_001407100.1, NM_001407101.1 and 4 more transcripts); c.337C>T, p.Pro113Ser (NM_001407098.1); c.244C>T, p.Pro82Ser (NM_001407111.1, NM_001407112.1); c.144+17194C>T (NM_001271069.2); and 1 more; short protein forms P149S, P140S, P82S, P86S, P113S.
Identifiers: ClinVar variation 4052121 (VCV004052121.1).

ClinVar aggregate classification (germline): Uncertain significance (1 of 4 stars; one submission).

Conditions:
Hereditary cancer-predisposing syndrome. Also called: Neoplastic Syndromes, Hereditary; Tumor predisposition; Hereditary neoplastic syndrome; Hereditary Cancer Syndrome. Identifiers: Orphanet 140162, MedGen C0027672, MeSH D009386, MONDO:0015356.

gnomAD v4.1: 1 of 1,613,868 alleles (0.000062%); highest among the groups gnomAD compares: Non-Finnish European, 0.000085%; no homozygotes.

Submission:

Ambry Genetics
Classification: Uncertain significance for Hereditary cancer-predisposing syndrome. Last evaluated: 2025-06-08. Review status: criteria provided, single submitter. Criteria: Ambry Variant Classification Scheme 2023. Collection method: clinical testing. Allele origin: germline.
Comment: The p.P149S variant (also known as c.445C>T), located in coding exon 5 of the MAX gene, results from a C to T substitution at nucleotide position 445. The proline at codon 149 is replaced by serine, an amino acid with similar properties. This amino acid position is conserved. In addition, the in silico prediction for this alteration is inconclusive. Based on the available evidence, the clinical significance of this variant remains unclear.